The following is an entry in ClinVar:

ClinVar aggregate classification (germline): Conflicting classifications of pathogenicity. Review status: criteria provided, conflicting classifications (1 of 4 stars). 5 submissions from 5 submitters: Uncertain significance (1); Likely benign (4). Last evaluated 2026-07-01.

Conditions:
Inborn genetic diseases. Identifiers: MedGen C0950123, MeSH D030342.
Kufor-Rakeb syndrome (KRS). Also called: PARKINSON DISEASE 9, AUTOSOMAL RECESSIVE, JUVENILE-ONSET. Identifiers: Orphanet 306674, Orphanet 314632, MedGen C1847640, MONDO:0011706, OMIM 606693.
Autosomal recessive spastic paraplegia type 78. Identifiers: Orphanet 513436, MedGen C5567893, MONDO:0014975, OMIM 617225.

Allele frequency attached by ClinVar (database versions not stated): ExAC 0.00002; gnomAD exomes 0.00003 and 0.00006; gnomAD 0.00007; TOPMed 0.00009.
gnomAD v4.1: 46 of 1,611,530 alleles (0.0029%); highest among the groups gnomAD compares: Admixed American, 0.018%; no homozygotes.

Submissions (5):

CeGaT Center for Human Genetics Tuebingen
Classification: Likely benign. Last evaluated: 2026-07-01. Review status: criteria provided, single submitter. Criteria: CeGaT Center For Human Genetics Tuebingen Variant Classification Criteria Version 2. Collection method: clinical testing. Allele origin: germline. Affected: yes. Observed: 1 variant allele.
Comment: ATP13A2: BP4, BP7

Labcorp Genetics (formerly Invitae), Labcorp
Classification: Likely benign for Kufor-Rakeb syndrome; Autosomal recessive spastic paraplegia type 78. Last evaluated: 2025-09-16. Review status: criteria provided, single submitter. Criteria: Invitae Variant Classification Sherloc (09022015). Collection method: clinical testing. Allele origin: germline.

Blueprint Genetics
Classification: Likely benign. Last evaluated: 2024-07-23. Review status: criteria provided, single submitter. Criteria: ACMG Guidelines, 2015. Collection method: clinical testing. Allele origin: germline.

Illumina Laboratory Services, Illumina
Classification: Uncertain significance for Kufor-Rakeb syndrome. Last evaluated: 2018-01-13. Review status: criteria provided, single submitter. Criteria: ICSL Variant Classification Criteria 13 December 2019. Collection method: clinical testing. Allele origin: germline.

Ambry Genetics
Classification: Likely benign for Inborn genetic diseases. Last evaluated: 2016-07-26. Review status: criteria provided, single submitter. Criteria: Ambry Variant Classification Scheme 2023. Collection method: clinical testing. Allele origin: germline.

NM_022089.4(ATP13A2):c.3297C>T (p.Pro1099=)

Gene: ATP13A2 (ATPase cation transporting 13A2; minus strand). Cytogenetic location: 1p36.13.
Variant type: single nucleotide variant.
Coding change: c.3297C>T on transcript NM_022089.4 (MANE Select); coding-DNA position 3297, C replaced by T.
Protein change: p.Pro1099=; no amino-acid change (proline 1099 retained).
Molecular consequence: synonymous variant. On other transcripts: intron variant (1).
Genome position (GRCh38, 1-based): chr1:16,986,571, G>A on the plus strand (C>T on the coding strand, the complement: ATP13A2 is on the minus strand). VCF-style: chr1-16986571-G-A. GRCh37 (hg19) VCF-style: chr1-17313066-G-A.
Other names: c.3282C>T, p.Pro1094= (NM_001141973.3); c.3104-213C>T (NM_001141974.3).
Identifiers: ClinVar variation 293769 (VCV000293769.18), dbSNP rs756650754, ClinGen allele CA636530.